The following is an entry in ClinVar:

ClinVar aggregate classification (germline): Likely pathogenic (1 of 4 stars; one submission).

Conditions:
Dilated cardiomyopathy 1G (CMD1G). Identifiers: Orphanet 154, MedGen C1858763, MONDO:0011400, OMIM 604145.
Autosomal recessive limb-girdle muscular dystrophy type 2J (LGMDR10). Also called: Limb-girdle muscular dystrophy, type 2J; MUSCULAR DYSTROPHY, LIMB-GIRDLE, AUTOSOMAL RECESSIVE 10. Identifiers: Orphanet 140922, MedGen C1837342, MONDO:0012127, OMIM 608807.

Submission:

Labcorp Genetics (formerly Invitae), Labcorp
Classification: Likely pathogenic for Dilated cardiomyopathy 1G; Autosomal recessive limb-girdle muscular dystrophy type 2J. Last evaluated: 2024-11-04. Review status: criteria provided, single submitter. Criteria: Invitae Variant Classification Sherloc (09022015). Collection method: clinical testing. Allele origin: germline.
Comment: This sequence change creates a premature translational stop signal (p.Glu1277*) in the TTN gene. While this is not anticipated to result in nonsense mediated decay, it is expected to create a truncated TTN protein. This variant is not present in population databases (gnomAD no frequency). This variant has not been reported in the literature in individuals affected with TTN-related conditions. ClinVar contains an entry for this variant (Variation ID: 2117805). This variant is located in the Z band of TTN (PMID: 25589632). Truncating variants in this region have been reported in individuals affected with autosomal recessive centronuclear myopathy (PMID: 33449170, internal data). Truncating variants in this region have also been identified in individuals affected with autosomal dominant dilated cardiomyopathy and/or cardio-related conditions (PMID: 27869827, 32964742, internal data). In summary, the currently available evidence indicates that the variant is pathogenic, but additional data are needed to prove that conclusively. Therefore, this variant has been classified as Likely Pathogenic.

Literature cited by the submitters: PubMed 25589632; PubMed 33449170; PubMed 27869827; PubMed 32964742.

NM_001267550.2(TTN):c.3829G>T (p.Glu1277Ter)

Genes: TTN (titin; minus strand), LOC101927055 (uncharacterized LOC101927055; plus strand). Cytogenetic location: 2q31.2.
Variant type: single nucleotide variant.
Coding change: c.3829G>T on transcript NM_001267550.2 (MANE Select); coding-DNA position 3829, G replaced by T.
Protein change: p.Glu1277Ter; replaces glutamic acid 1277 with a stop codon.
Molecular consequence: nonsense.
Genome position (GRCh38, 1-based): chr2:178,779,363, C>A on the plus strand (G>T on the coding strand, the complement: TTN is on the minus strand). VCF-style: chr2-178779363-C-A. GRCh37 (hg19) VCF-style: chr2-179644090-C-A.
Other names: c.3829G>T, p.Glu1277Ter (NM_001256850.1, NM_133378.4, NM_133379.5); c.3691G>T, p.Glu1231Ter (NM_003319.4, NM_133432.3, NM_133437.4); short protein forms E1231*, E1277*.
Identifiers: ClinVar variation 2117805 (VCV002117805.4), dbSNP rs2533100772, ClinGen allele CA349477782.